The following is an entry in ClinVar:

ClinVar aggregate classification (germline): Uncertain significance (1 of 4 stars; one submission).

Submission:

GeneDx
Classification: Uncertain significance. Last evaluated: 2024-08-28. Review status: criteria provided, single submitter. Criteria: GeneDx Variant Classification Process June 2021. Collection method: clinical testing. Allele origin: germline. Affected: yes.
Comment: Not observed at significant frequency in large population cohorts (gnomAD); In silico analysis supports that this missense variant has a deleterious effect on protein structure/function; Has not been previously published as pathogenic or benign to our knowledge

NM_001375380.1(EBF3):c.653C>T (p.Thr218Ile)

Gene: EBF3 (EBF transcription factor 3; minus strand). Cytogenetic location: 10q26.3.
Variant type: single nucleotide variant.
Coding change: c.653C>T on transcript NM_001375380.1 (MANE Select); coding-DNA position 653, C replaced by T.
Protein change: p.Thr218Ile; replaces threonine 218 with isoleucine.
Molecular consequence: missense variant.
Genome position (GRCh38, 1-based): chr10:129,873,580, G>A on the plus strand (C>T on the coding strand, the complement: EBF3 is on the minus strand). VCF-style: chr10-129873580-G-A. GRCh37 (hg19) VCF-style: chr10-131671844-G-A.
Other names: c.653C>T, p.Thr218Ile (NM_001005463.3, NM_001375379.1, NM_001375389.1 and 3 more transcripts); short protein forms T218I.
Identifiers: ClinVar variation 3765930 (VCV003765930.1).